The following is an entry in ClinVar:

ClinVar aggregate classification (germline): Benign/Likely benign. Review status: criteria provided, multiple submitters, no conflicts (2 of 4 stars). 7 submissions from 7 submitters: Benign (1); Likely benign (6). Last evaluated 2026-01-26.

Conditions:
ATM-related disorder. Also called: ATM-related disorders; ATM-related condition.
Hereditary cancer-predisposing syndrome. Also called: Neoplastic Syndromes, Hereditary; Hereditary neoplastic syndrome; Tumor predisposition; Hereditary Cancer Syndrome. Identifiers: Orphanet 140162, MedGen C0027672, MeSH D009386, MONDO:0015356.
Familial cancer of breast. Also called: hereditary breast carcinoma; Hereditary breast cancer; BREAST CANCER, FAMILIAL. Identifiers: Orphanet 227535, MedGen C0346153, MONDO:0016419, OMIM 114480. Disease mechanism: loss of function.
Ataxia-telangiectasia syndrome (AT). Also called: Ataxia telangiectasia (A-T); Cerebello-oculocutaneous telangiectasia; Immunodeficiency with ataxia telangiectasia; LOUIS-BAR SYNDROME; AT, COMPLEMENTATION GROUP C; ATAXIA-TELANGIECTASIA, FRESNO VARIANT. Identifiers: Orphanet 100, MedGen C0004135, MONDO:0008840, OMIM 208900.

Allele frequency attached by ClinVar (database versions not stated): TOPMed 0.00001; gnomAD 0.00001.
gnomAD v4.1: 2 of 1,611,736 alleles (0.00012%); highest among the groups gnomAD compares: African/African-American, 0.0027%; no homozygotes.

Submissions (7):

Labcorp Genetics (formerly Invitae), Labcorp
Classification: Likely benign for Ataxia-telangiectasia syndrome. Last evaluated: 2026-01-26. Review status: criteria provided, single submitter. Criteria: Invitae Variant Classification Sherloc (09022015). Collection method: clinical testing. Allele origin: germline.

PreventionGenetics, part of Exact Sciences
Classification: Likely benign for ATM-related condition. Last evaluated: 2025-09-08. Review status: criteria provided, single submitter. Criteria: ACMG Guidelines, 2015. Collection method: clinical testing. Allele origin: germline.
Comment: This variant is classified as likely benign based on ACMG/AMP sequence variant interpretation guidelines (Richards et al. 2015 PMID: 25741868, with internal and published modifications).

Myriad Genetics, Inc.
Classification: Benign for Familial cancer of breast. Last evaluated: 2024-06-21. Review status: criteria provided, single submitter. Criteria: Myriad Autosomal Dominant, Autosomal Recessive and X-Linked Classification Criteria (2023). Collection method: clinical testing. Allele origin: unknown.
Comment: This variant is considered benign. This variant is a silent/synonymous amino acid change and it is not expected to impact splicing.

Women's Health and Genetics/Laboratory Corporation of America, LabCorp
Classification: Likely benign. Last evaluated: 2023-12-03. Review status: criteria provided, single submitter. Criteria: LabCorp Variant Classification Summary - May 2015. Collection method: clinical testing. Allele origin: germline.

Athena Diagnostics
Classification: Likely benign. Last evaluated: 2020-02-12. Review status: criteria provided, single submitter. Criteria: Athena Diagnostics Criteria. Collection method: clinical testing. Allele origin: unknown.

Color Diagnostics, LLC DBA Color Health
Classification: Likely benign for Hereditary cancer-predisposing syndrome. Last evaluated: 2019-09-11. Review status: criteria provided, single submitter. Criteria: ACMG Guidelines, 2015. Collection method: clinical testing. Allele origin: germline.

Ambry Genetics
Classification: Likely benign for Hereditary cancer-predisposing syndrome. Last evaluated: 2015-03-13. Review status: criteria provided, single submitter. Criteria: Ambry Variant Classification Scheme 2023. Collection method: clinical testing. Allele origin: germline.

NM_000051.4(ATM):c.8847A>G (p.Val2949=)

Genes: ATM (ATM serine/threonine kinase; plus strand), C11orf65 (chromosome 11 open reading frame 65; minus strand). Cytogenetic location: 11q22.3.
Variant type: single nucleotide variant.
Coding change: c.8847A>G on transcript NM_000051.4 (MANE Select); coding-DNA position 8847, A replaced by G.
Protein change: p.Val2949=; no amino-acid change (valine 2949 retained).
Molecular consequence: synonymous variant. On other transcripts: intron variant (2).
Genome position (GRCh38, 1-based): chr11:108,354,871, A>G. VCF-style: chr11-108354871-A-G. GRCh37 (hg19) VCF-style: chr11-108225598-A-G.
Other names: c.8847A>G, p.Val2949= (NM_001351834.2); c.640+31049T>C (NM_001330368.2); c.695-19579T>C (NM_001351110.2).
Identifiers: ClinVar variation 230874 (VCV000230874.21), dbSNP rs876658820, ClinGen allele CA10579324.